The following is an entry in ClinVar:

NM_000400.4(ERCC2):c.1418T>C (p.Phe473Ser)

Gene: ERCC2 (ERCC excision repair 2, TFIIH core complex helicase subunit; minus strand). Cytogenetic location: 19q13.32.
Variant type: single nucleotide variant.
Coding change: c.1418T>C on transcript NM_000400.4 (MANE Select); coding-DNA position 1418, T replaced by C.
Protein change: p.Phe473Ser; replaces phenylalanine 473 with serine.
Molecular consequence: missense variant.
Genome position (GRCh38, 1-based): chr19:45,357,331, A>G on the plus strand (T>C on the coding strand, the complement: ERCC2 is on the minus strand). VCF-style: chr19-45357331-A-G. GRCh37 (hg19) VCF-style: chr19-45860589-A-G.
Other names: short protein forms F473S.
Identifiers: ClinVar variation 2447121 (VCV002447121.2), dbSNP rs1399969451, ClinGen allele CA406367149.

ClinVar aggregate classification (germline): Uncertain significance (1 of 4 stars; one submission).

Conditions:
Inborn genetic diseases. Identifiers: MedGen C0950123, MeSH D030342.

Submission:

Ambry Genetics
Classification: Uncertain significance for Inborn genetic diseases. Last evaluated: 2022-11-27. Review status: criteria provided, single submitter. Criteria: Ambry Variant Classification Scheme 2023. Collection method: clinical testing. Allele origin: germline.
Comment: The p.F473S variant (also known as c.1418T>C), located in coding exon 15 of the ERCC2 gene, results from a T to C substitution at nucleotide position 1418. The phenylalanine at codon 473 is replaced by serine, an amino acid with highly dissimilar properties. This amino acid position is conserved. In addition, this alteration is predicted to be deleterious by in silico analysis. Since supporting evidence is limited at this time, the clinical significance of this alteration remains unclear.